The following is an entry in ClinVar:

ClinVar aggregate classification (germline): Uncertain significance (1 of 4 stars; one submission).

Conditions:
Multiple endocrine neoplasia, type 1 (MEN1). Also called: MEN I; WERMER SYNDROME; Endocrine adenomatosis multiple; MEN 1; MEA I. Identifiers: Orphanet 652, MedGen C0025267, MeSH D018761, MONDO:0007540, OMIM 131100.

Submission:

Labcorp Genetics (formerly Invitae), Labcorp
Classification: Uncertain significance for Multiple endocrine neoplasia, type 1. Last evaluated: 2021-04-18. Review status: criteria provided, single submitter. Criteria: Invitae Variant Classification Sherloc (09022015). Collection method: clinical testing. Allele origin: germline.
Comment: Algorithms developed to predict the effect of missense changes on protein structure and function are either unavailable or do not agree on the potential impact of this missense change (SIFT: "Deleterious"; PolyPhen-2: "Probably Damaging"; Align-GVGD: "Class C15"). In summary, the available evidence is currently insufficient to determine the role of this variant in disease. Therefore, it has been classified as a Variant of Uncertain Significance. This variant has not been reported in the literature in individuals with MEN1-related conditions. This variant is not present in population databases (ExAC no frequency). This sequence change replaces aspartic acid with tyrosine at codon 180 of the MEN1 protein (p.Asp180Tyr). The aspartic acid residue is highly conserved and there is a large physicochemical difference between aspartic acid and tyrosine.

NM_001370259.2(MEN1):c.538G>T (p.Asp180Tyr)

Gene: MEN1 (menin 1; minus strand). Cytogenetic location: 11q13.1.
Variant type: single nucleotide variant.
Coding change: c.538G>T on transcript NM_001370259.2 (MANE Select); coding-DNA position 538, G replaced by T.
Protein change: p.Asp180Tyr; replaces aspartic acid 180 with tyrosine.
Molecular consequence: missense variant.
Genome position (GRCh38, 1-based): chr11:64,808,007, C>A on the plus strand (G>T on the coding strand, the complement: MEN1 is on the minus strand). VCF-style: chr11-64808007-C-A. GRCh37 (hg19) VCF-style: chr11-64575479-C-A.
Other names: c.553G>T, p.Asp185Tyr (NM_000244.4, NM_130803.3, NM_130804.3 and 3 more transcripts); c.538G>T, p.Asp180Tyr (NM_001370251.2, NM_001370260.2, NM_001370261.2 and 3 more transcripts); short protein forms D180Y, D185Y.
Identifiers: ClinVar variation 1058319 (VCV001058319.9), dbSNP rs2136154322, ClinGen allele CA381185884.